The following is an entry in ClinVar:

NM_001142800.2(EYS):c.76C>T (p.Arg26Trp)

Gene: EYS (EGF-like photoreceptor maintenance factor; minus strand). Cytogenetic location: 6q12.
Variant type: single nucleotide variant.
Coding change: c.76C>T on transcript NM_001142800.2 (MANE Select); coding-DNA position 76, C replaced by T.
Protein change: p.Arg26Trp; replaces arginine 26 with tryptophan.
Molecular consequence: missense variant.
Genome position (GRCh38, 1-based): chr6:65,495,335, G>A on the plus strand (C>T on the coding strand, the complement: EYS is on the minus strand). VCF-style: chr6-65495335-G-A. GRCh37 (hg19) VCF-style: chr6-66205228-G-A.
Other names: c.76C>T, p.Arg26Trp (NM_001142801.2, NM_001292009.2, NM_198283.2); short protein forms R26W.
Identifiers: ClinVar variation 1507236 (VCV001507236.6), dbSNP rs764308269, ClinGen allele CA3878135.

ClinVar aggregate classification (germline): Uncertain significance. Review status: criteria provided, multiple submitters, no conflicts (2 of 4 stars). 2 submissions from 2 submitters: Uncertain significance (2). Last evaluated 2025-07-16.

Conditions:
Retinitis pigmentosa 25 (RP25). Identifiers: Orphanet 791, MedGen C1864446, MONDO:0011272, OMIM 602772.

Allele frequency attached by ClinVar (database versions not stated): TOPMed below 0.00001; ExAC 0.00001; gnomAD 0.00001; gnomAD exomes 0.00001 and 0.00002.
gnomAD v4.1: 18 of 1,613,548 alleles (0.0011%); highest among the groups gnomAD compares: Admixed American, 0.005%; no homozygotes.

Submissions (2):

Myriad Genetics, Inc.
Classification: Uncertain significance for Retinitis pigmentosa 25. Last evaluated: 2025-07-16. Review status: criteria provided, single submitter. Criteria: Myriad Autosomal Dominant, Autosomal Recessive and X-Linked Classification Criteria (2023). Collection method: clinical testing. Allele origin: unknown.
Comment: NM_001142800.1(EYS):c.76C>T(R26W) is a missense variant classified as a variant of uncertain significance in the context of retinitis pigmentosa, EYS-related. R26W has been observed in a case with relevant disease (PMID: 32728228). Relevant functional assessments of this variant are not available in the literature. R26W has been observed in referenced population frequency databases. In summary, there is insufficient evidence to classify NM_001142800.1(EYS):c.76C>T(R26W) as pathogenic or benign. Please note: this variant was assessed in the context of healthy population screening.

Labcorp Genetics (formerly Invitae), Labcorp
Classification: Uncertain significance. Last evaluated: 2021-09-17. Review status: criteria provided, single submitter. Criteria: Invitae Variant Classification Sherloc (09022015). Collection method: clinical testing. Allele origin: germline.
Comment: This sequence change replaces arginine with tryptophan at codon 26 of the EYS protein (p.Arg26Trp). The arginine residue is moderately conserved and there is a moderate physicochemical difference between arginine and tryptophan. This variant is present in population databases (rs764308269, ExAC 0.001%). This variant has been observed in individual(s) with retinitis pigmentosa (PMID: 32728228). Algorithms developed to predict the effect of missense changes on protein structure and function output the following: SIFT: "Tolerated"; PolyPhen-2: "Benign"; Align-GVGD: "Class C0". The tryptophan amino acid residue is found in multiple mammalian species, which suggests that this missense change does not adversely affect protein function. In summary, the available evidence is currently insufficient to determine the role of this variant in disease. Therefore, it has been classified as a Variant of Uncertain Significance.

Literature cited by the submitters: PubMed 32728228 (cited by Myriad Genetics, Inc. and Labcorp Genetics (formerly Invitae), Labcorp).